The following is an entry in ClinVar:

NM_003193.5(TBCE):c.71G>A (p.Arg24His)

Gene: TBCE (tubulin folding cofactor E; plus strand). Cytogenetic location: 1q42.3.
Variant type: single nucleotide variant.
Coding change: c.71G>A on transcript NM_003193.5 (MANE Select); coding-DNA position 71, G replaced by A.
Protein change: p.Arg24His; replaces arginine 24 with histidine.
Molecular consequence: missense variant. On other transcripts: 5 prime UTR variant (1).
Genome position (GRCh38, 1-based): chr1:235,380,120, G>A. VCF-style: chr1-235380120-G-A. GRCh37 (hg19) VCF-style: chr1-235543435-G-A.
Other names: c.71G>A, p.Arg24His (NM_001079515.3, NM_001287801.2); c.-240G>A (NM_001287802.2); short protein forms R24H.
Identifiers: ClinVar variation 1033981 (VCV001033981.5), dbSNP rs766386026, ClinGen allele CA1463881.

ClinVar aggregate classification (germline): Uncertain significance. Review status: criteria provided, multiple submitters, no conflicts (2 of 4 stars). 4 submissions from 4 submitters: Uncertain significance (4). Last evaluated 2025-06-12.

Conditions:
Encephalopathy, progressive, with amyotrophy and optic atrophy (PEAMO). Identifiers: MedGen C4310667, MONDO:0014968, OMIM 617207.
Hypoparathyroidism-retardation-dysmorphism syndrome (HRDS). Also called: SANJAD-SAKATI SYNDROME. Identifiers: Orphanet 2323, MedGen C1855840, MONDO:0009426, OMIM 241410.
Autosomal recessive Kenny-Caffey syndrome (KCS1). Identifiers: Orphanet 2333, Orphanet 93324, MedGen C1855648, MONDO:0009486, OMIM 244460.
Inborn genetic diseases. Identifiers: MedGen C0950123, MeSH D030342.

Allele frequency attached by ClinVar (database versions not stated): TOPMed 0.00002; gnomAD 0.00003 and 0.00004; gnomAD exomes 0.00005; ExAC 0.00006.
gnomAD v4.1: 75 of 1,611,860 alleles (0.0047%); highest among the groups gnomAD compares: South Asian, 0.035%; 3 homozygotes.

Submissions (4):

Ambry Genetics
Classification: Uncertain significance for Inborn genetic diseases. Last evaluated: 2025-06-12. Review status: criteria provided, single submitter. Criteria: Ambry Variant Classification Scheme 2023. Collection method: clinical testing. Allele origin: germline.

Fulgent Genetics
Classification: Uncertain significance for Hypoparathyroidism-retardation-dysmorphism syndrome; Autosomal recessive Kenny-Caffey syndrome; Encephalopathy, progressive, with amyotrophy and optic atrophy. Last evaluated: 2022-05-17. Review status: criteria provided, single submitter. Criteria: ACMG Guidelines, 2015. Collection method: clinical testing. Allele origin: unknown.

Labcorp Genetics (formerly Invitae), Labcorp
Classification: Uncertain significance. Last evaluated: 2022-03-21. Review status: criteria provided, single submitter. Criteria: Invitae Variant Classification Sherloc (09022015). Collection method: clinical testing. Allele origin: germline.
Comment: This sequence change replaces arginine, which is basic and polar, with histidine, which is basic and polar, at codon 24 of the TBCE protein (p.Arg24His). This variant is present in population databases (rs766386026, gnomAD 0.02%). This variant has not been reported in the literature in individuals affected with TBCE-related conditions. ClinVar contains an entry for this variant (Variation ID: 1033981). Algorithms developed to predict the effect of missense changes on protein structure and function output the following: SIFT: "Tolerated"; PolyPhen-2: "Benign"; Align-GVGD: "Class C0". The histidine amino acid residue is found in multiple mammalian species, which suggests that this missense change does not adversely affect protein function. In summary, the available evidence is currently insufficient to determine the role of this variant in disease. Therefore, it has been classified as a Variant of Uncertain Significance.

Baylor Genetics
Classification: Uncertain significance for Encephalopathy, progressive, with amyotrophy and optic atrophy. Last evaluated: 2018-02-23. Review status: criteria provided, single submitter. Criteria: ACMG Guidelines, 2015. Collection method: clinical testing. Allele origin: maternal. Affected: yes.
Comment: This variant was determined to be of uncertain significance according to ACMG Guidelines, 2015 [PMID:25741868].